The following is an entry in ClinVar:

ClinVar aggregate classification (germline): Uncertain significance (1 of 4 stars; one submission).

Allele frequency attached by ClinVar (database versions not stated): ExAC 0.00001; gnomAD exomes 0.00002 and 0.00004; gnomAD 0.00004 and 0.00005; TOPMed 0.00004; ESP Exome Variant Server 0.00008.
gnomAD v4.1: 62 of 1,614,004 alleles (0.0038%); highest among the groups gnomAD compares: Non-Finnish European, 0.0051%; no homozygotes.

Submission:

Labcorp Genetics (formerly Invitae), Labcorp
Classification: Uncertain significance. Last evaluated: 2021-11-05. Review status: criteria provided, single submitter. Criteria: Invitae Variant Classification Sherloc (09022015). Collection method: clinical testing. Allele origin: germline.
Comment: In summary, the available evidence is currently insufficient to determine the role of this variant in disease. Therefore, it has been classified as a Variant of Uncertain Significance. Algorithms developed to predict the effect of missense changes on protein structure and function (SIFT, PolyPhen-2, Align-GVGD) all suggest that this variant is likely to be tolerated. This variant has not been reported in the literature in individuals affected with KLC2-related conditions. This variant is present in population databases (rs374310320, gnomAD 0.004%). This sequence change replaces lysine, which is basic and polar, with arginine, which is basic and polar, at codon 145 of the KLC2 protein (p.Lys145Arg).

NM_001318734.2(KLC2):c.434A>G (p.Lys145Arg)

Genes: KLC2 (kinesin light chain 2; plus strand), KLC2-AS1 (KLC2 antisense RNA 1; minus strand). Cytogenetic location: 11q13.2.
Variant type: single nucleotide variant.
Coding change: c.434A>G on transcript NM_001318734.2 (MANE Select); coding-DNA position 434, A replaced by G.
Protein change: p.Lys145Arg; replaces lysine 145 with arginine.
Molecular consequence: missense variant. On other transcripts: intron variant (1).
Genome position (GRCh38, 1-based): chr11:66,261,947, A>G. VCF-style: chr11-66261947-A-G. GRCh37 (hg19) VCF-style: chr11-66029418-A-G.
Other names: c.434A>G, p.Lys145Arg (NM_001134775.2, NM_001134776.2, NM_022822.3); c.229-176A>G (NM_001134774.2); short protein forms K145R.
Identifiers: ClinVar variation 1492027 (VCV001492027.6), dbSNP rs374310320, ClinGen allele CA6117066.